The following is an entry in ClinVar:

NM_015450.3(POT1):c.1128G>C (p.Gln376His)

Gene: POT1 (protection of telomeres 1; minus strand). Cytogenetic location: 7q31.33.
Variant type: single nucleotide variant.
Coding change: c.1128G>C on transcript NM_015450.3 (MANE Select); coding-DNA position 1128, G replaced by C.
Protein change: p.Gln376His; replaces glutamine 376 with histidine.
Molecular consequence: missense variant. On other transcripts: non-coding transcript variant (3).
Genome position (GRCh38, 1-based): chr7:124,842,842, C>G on the plus strand (G>C on the coding strand, the complement: POT1 is on the minus strand). VCF-style: chr7-124842842-C-G. GRCh37 (hg19) VCF-style: chr7-124482896-C-G.
Other names: c.735G>C, p.Gln245His (NM_001042594.2); short protein forms Q245H, Q376H.
Identifiers: ClinVar variation 3664742 (VCV003664742.2).
Genomic context (GRCh38, chr7:124,842,842, plus strand): 5'-TTGTTTTATTATGGAAAATACTCACAGCAAATGACATTTAGGGCAATGAAGTTTAACAGA[C>G]TGAAATAGTCTTCTGGGCTTATATGACCTCAATTTTGCTCGGATGCGGTATTGTTGAGGA-3'
Protein context (NP_056265.2, residues 366-386): LRSYKPRRLF[Gln376His]SVKLHCPKCH

ClinVar aggregate classification (germline): Uncertain significance (1 of 4 stars; one submission).

Conditions:
Tumor predisposition syndrome 3 (TPDS3). Also called: Glioma susceptibility 9; LONG TELOMERE SYNDROME, POT1-RELATED; POT1 Tumor Predisposition; Melanoma, cutaneous malignant, susceptibility to, 10. Identifiers: Orphanet 618, MedGen C4014476, MONDO:0014368, OMIM 615848.

Submission:

Labcorp Genetics (formerly Invitae), Labcorp
Classification: Uncertain significance for Tumor predisposition syndrome 3. Last evaluated: 2024-10-27. Review status: criteria provided, single submitter. Criteria: Invitae Variant Classification Sherloc (09022015). Collection method: clinical testing. Allele origin: germline.
Comment: This sequence change replaces glutamine, which is neutral and polar, with histidine, which is basic and polar, at codon 376 of the POT1 protein (p.Gln376His). This variant is not present in population databases (gnomAD no frequency). This variant has not been reported in the literature in individuals affected with POT1-related conditions. Invitae Evidence Modeling of protein sequence and biophysical properties (such as structural, functional, and spatial information, amino acid conservation, physicochemical variation, residue mobility, and thermodynamic stability) indicates that this missense variant is not expected to disrupt POT1 protein function with a negative predictive value of 80%. In summary, the available evidence is currently insufficient to determine the role of this variant in disease. Therefore, it has been classified as a Variant of Uncertain Significance.